The following is an entry in ClinVar:

NM_001365999.1(SZT2):c.5828G>A (p.Gly1943Glu)

Gene: SZT2 (SZT2 subunit of KICSTOR complex; plus strand). Cytogenetic location: 1p34.2.
Variant type: single nucleotide variant.
Coding change: c.5828G>A on transcript NM_001365999.1 (MANE Select); coding-DNA position 5828, G replaced by A.
Protein change: p.Gly1943Glu; replaces glycine 1943 with glutamic acid.
Molecular consequence: missense variant.
Genome position (GRCh38, 1-based): chr1:43,434,409, G>A. VCF-style: chr1-43434409-G-A. GRCh37 (hg19) VCF-style: chr1-43900080-G-A.
Other names: c.5657G>A, p.Gly1886Glu (NM_015284.4); short protein forms G1886E, G1943E.
Identifiers: ClinVar variation 1358069 (VCV001358069.5), dbSNP rs1260566151, ClinGen allele CA340027078.

ClinVar aggregate classification (germline): Uncertain significance (1 of 4 stars; one submission).

Allele frequency attached by ClinVar (database versions not stated): gnomAD exomes 0.00001.
gnomAD v4.1: 3 of 1,596,706 alleles (0.00019%); highest among the groups gnomAD compares: Non-Finnish European, 0.00026%; no homozygotes.

Submission:

Labcorp Genetics (formerly Invitae), Labcorp
Classification: Uncertain significance. Last evaluated: 2022-07-26. Review status: criteria provided, single submitter. Criteria: Invitae Variant Classification Sherloc (09022015). Collection method: clinical testing. Allele origin: germline.
Comment: This sequence change replaces glycine, which is neutral and non-polar, with glutamic acid, which is acidic and polar, at codon 1886 of the SZT2 protein (p.Gly1886Glu). The frequency data for this variant in the population databases is considered unreliable, as metrics indicate poor data quality at this position in the gnomAD database. This variant has not been reported in the literature in individuals affected with SZT2-related conditions. ClinVar contains an entry for this variant (Variation ID: 1358069). Algorithms developed to predict the effect of missense changes on protein structure and function are either unavailable or do not agree on the potential impact of this missense change (SIFT: "Deleterious"; PolyPhen-2: "Benign"; Align-GVGD: "Class C0"). Algorithms developed to predict the effect of sequence changes on RNA splicing suggest that this variant may create or strengthen a splice site. In summary, the available evidence is currently insufficient to determine the role of this variant in disease. Therefore, it has been classified as a Variant of Uncertain Significance.